The following is an entry in ClinVar:

ClinVar aggregate classification (germline): Pathogenic (1 of 4 stars; one submission).

Submission:

Baylor Genetics
Classification: Pathogenic. Last evaluated: 2018-11-01. Review status: criteria provided, single submitter. Criteria: ACMG CNV Guidelines, 2011. Collection method: clinical testing. Allele origin: germline. Observed: 1 variant allele.

GRCh37/hg19 3p26.3-26.1(chr3:107776-5257572)

Genes: ARL8B (ARF like GTPase 8B; plus strand), BHLHE40 (basic helix-loop-helix family member e40; plus strand), CHL1 (cell adhesion molecule L1 like; plus strand), CNTN4 (contactin 4; plus strand), CNTN6 (contactin 6; plus strand) and 9 more. Cytogenetic location: 3p26.3-26.1.
Variant type: copy number loss.
Identifiers: ClinVar variation 625697 (VCV000625697.1).